The following is an entry in ClinVar:

ClinVar aggregate classification (germline): Pathogenic (1 of 4 stars; one submission).

Conditions:
Hereditary cancer-predisposing syndrome. Also called: Hereditary Cancer Syndrome; Neoplastic Syndromes, Hereditary; Tumor predisposition; Hereditary neoplastic syndrome. Identifiers: Orphanet 140162, MedGen C0027672, MeSH D009386, MONDO:0015356.

Submission:

Ambry Genetics
Classification: Pathogenic for Hereditary cancer-predisposing syndrome. Last evaluated: 2021-12-28. Review status: criteria provided, single submitter. Criteria: Ambry Variant Classification Scheme 2023. Collection method: clinical testing. Allele origin: germline.
Comment: The c.5087_5090dupGAAT pathogenic mutation, located in coding exon 10 of the BRCA2 gene, results from a duplication of GAAT at nucleotide position 5087, causing a translational frameshift with a predicted alternate stop codon (p.I1697Mfs*4). This alteration is expected to result in loss of function by premature protein truncation or nonsense-mediated mRNA decay. As such, this alteration is interpreted as a disease-causing mutation.

NM_000059.4(BRCA2):c.5087_5090dup (p.Ile1697fs)

Gene: BRCA2 (BRCA2 DNA repair associated; plus strand). Cytogenetic location: 13q13.1.
Variant type: Duplication.
Coding change: c.5087_5090dup on transcript NM_000059.4 (MANE Select); coding-DNA positions 5087 to 5090, 4 bases duplicated (GAAT; older notation c.5087_5090dupGAAT).
Protein change: p.Ile1697fs; shifts the reading frame from isoleucine 1697.
Molecular consequence: frameshift variant.
Genome position (GRCh38, 1-based): chr13:32,339,442-32,339,445, GAAT duplicated. VCF-style (leftmost placement, unchanged base first): chr13-32339441-G-GGAAT. GRCh37 (hg19) VCF-style: chr13-32913578-G-GGAAT.
Other names: c.5087_5090dup, p.Ile1697Metfs (NM_001406719.1, NM_001406720.1); c.5087_5090dupGAAT (NM_000059.3); short protein forms I1697fs.
Identifiers: ClinVar variation 1745248 (VCV001745248.2), dbSNP rs2548529994, ClinGen allele CA2580087323.